The following is an entry in ClinVar:

NM_001184.4(ATR):c.2360A>G (p.His787Arg)

Gene: ATR (ATR checkpoint kinase; minus strand). Cytogenetic location: 3q23.
Variant type: single nucleotide variant.
Coding change: c.2360A>G on transcript NM_001184.4 (MANE Select); coding-DNA position 2360, A replaced by G.
Protein change: p.His787Arg; replaces histidine 787 with arginine.
Molecular consequence: missense variant.
Genome position (GRCh38, 1-based): chr3:142,553,997, T>C on the plus strand (A>G on the coding strand, the complement: ATR is on the minus strand). VCF-style: chr3-142553997-T-C. GRCh37 (hg19) VCF-style: chr3-142272839-T-C.
Other names: c.2168A>G, p.His723Arg (NM_001354579.2); short protein forms H723R, H787R.
Identifiers: ClinVar variation 1465093 (VCV001465093.10), dbSNP rs779898609, ClinGen allele CA354817356.

ClinVar aggregate classification (germline): Uncertain significance. Review status: criteria provided, multiple submitters, no conflicts (2 of 4 stars). 4 submissions from 3 submitters: Uncertain significance (4). Last evaluated 2025-11-03.

Conditions:
Familial cutaneous telangiectasia and oropharyngeal predisposition cancer syndrome. Identifiers: Orphanet 313846, MedGen C3281203, MONDO:0013806, OMIM 614564.
Inborn genetic diseases. Identifiers: MedGen C0950123, MeSH D030342.
Seckel syndrome 1 (SCKL1). Also called: MICROCEPHALIC PRIMORDIAL DWARFISM I. Identifiers: Orphanet 808, MedGen C4551474, MONDO:0008869, OMIM 210600.

Allele frequency attached by ClinVar (database versions not stated): TOPMed below 0.00001.

Submissions (4):

Labcorp Genetics (formerly Invitae), Labcorp
Classification: Uncertain significance. Last evaluated: 2025-11-03. Review status: criteria provided, single submitter. Criteria: Invitae Variant Classification Sherloc (09022015). Collection method: clinical testing. Allele origin: germline.
Comment: This sequence change replaces histidine, which is basic and polar, with arginine, which is basic and polar, at codon 787 of the ATR protein (p.His787Arg). This variant is present in population databases (no rsID available, gnomAD 0.007%). This variant has not been reported in the literature in individuals affected with ATR-related conditions. ClinVar contains an entry for this variant (Variation ID: 1465093). An algorithm developed to predict the effect of missense changes on protein structure and function (PolyPhen-2) suggests that this variant is likely to be tolerated. In summary, the available evidence is currently insufficient to determine the role of this variant in disease. Therefore, it has been classified as a Variant of Uncertain Significance.

Genome-Nilou Lab
Classification: Uncertain significance for Seckel syndrome 1. Last evaluated: 2023-02-08. Review status: criteria provided, single submitter. Criteria: ACMG Guidelines, 2015. Collection method: clinical testing. Allele origin: germline.

Genome-Nilou Lab
Classification: Uncertain significance for Familial cutaneous telangiectasia and oropharyngeal predisposition cancer syndrome. Last evaluated: 2023-02-08. Review status: criteria provided, single submitter. Criteria: ACMG Guidelines, 2015. Collection method: clinical testing. Allele origin: germline.

Ambry Genetics
Classification: Uncertain significance for Inborn genetic diseases. Last evaluated: 2022-01-07. Review status: criteria provided, single submitter. Criteria: Ambry Variant Classification Scheme 2023. Collection method: clinical testing. Allele origin: germline.
Comment: The p.H787R variant (also known as c.2360A>G), located in coding exon 11 of the ATR gene, results from an A to G substitution at nucleotide position 2360. The histidine at codon 787 is replaced by arginine, an amino acid with highly similar properties. This amino acid position is conserved. In addition, this alteration is predicted to be tolerated by in silico analysis. Since supporting evidence is limited at this time, the clinical significance of this alteration remains unclear.